The following is an entry in ClinVar:

NM_000548.5(TSC2):c.2561C>G (p.Pro854Arg)

Gene: TSC2 (TSC complex subunit 2; plus strand). Cytogenetic location: 16p13.3.
Variant type: single nucleotide variant.
Coding change: c.2561C>G on transcript NM_000548.5 (MANE Select); coding-DNA position 2561, C replaced by G.
Protein change: p.Pro854Arg; replaces proline 854 with arginine.
Molecular consequence: missense variant.
Genome position (GRCh38, 1-based): chr16:2,075,814, C>G. VCF-style: chr16-2075814-C-G. GRCh37 (hg19) VCF-style: chr16-2125815-C-G.
Other names: c.2561C>G, p.Pro854Arg (NM_001363528.2, NM_001370404.1, NM_001370405.1 and 3 more transcripts); c.2450C>G, p.Pro817Arg (NM_001318827.2); c.2414C>G, p.Pro805Arg (NM_001318829.2); c.1961C>G, p.Pro654Arg (NM_001318831.2); c.2594C>G, p.Pro865Arg (NM_001318832.2); short protein forms P854R, P805R, P865R, P654R, P817R.
Identifiers: ClinVar variation 1041273 (VCV001041273.12), dbSNP rs1180511535, ClinGen allele CA394278311.

ClinVar aggregate classification (germline): Uncertain significance. Review status: criteria provided, multiple submitters, no conflicts (2 of 4 stars). 2 submissions from 2 submitters: Uncertain significance (2). Last evaluated 2026-07-02.

Conditions:
Hereditary cancer-predisposing syndrome. Also called: Tumor predisposition; Hereditary Cancer Syndrome; Hereditary neoplastic syndrome; Neoplastic Syndromes, Hereditary. Identifiers: Orphanet 140162, MedGen C0027672, MeSH D009386, MONDO:0015356.
Tuberous sclerosis 2 (TSC2). Identifiers: Orphanet 805, MedGen C1860707, MONDO:0013199, OMIM 613254.

Submissions (2):

Ambry Genetics
Classification: Uncertain significance for Hereditary cancer-predisposing syndrome. Last evaluated: 2026-07-02. Review status: criteria provided, single submitter. Criteria: Ambry Variant Classification Scheme 2023. Collection method: clinical testing. Allele origin: germline.
Comment: The p.P854R variant (also known as c.2561C>G), located in coding exon 22 of the TSC2 gene, results from a C to G substitution at nucleotide position 2561. The proline at codon 854 is replaced by arginine, an amino acid with dissimilar properties. This amino acid position is highly conserved in available vertebrate species. In addition, this alteration is predicted to be deleterious by in silico analysis. Based on the available evidence, the clinical significance of this variant remains unclear.

Labcorp Genetics (formerly Invitae), Labcorp
Classification: Uncertain significance for Tuberous sclerosis 2. Last evaluated: 2020-05-13. Review status: criteria provided, single submitter. Criteria: Invitae Variant Classification Sherloc (09022015). Collection method: clinical testing. Allele origin: germline.
Comment: This sequence change replaces proline with arginine at codon 854 of the TSC2 protein (p.Pro854Arg). The proline residue is highly conserved and there is a moderate physicochemical difference between proline and arginine. This variant is not present in population databases (ExAC no frequency). This variant has not been reported in the literature in individuals with TSC2-related conditions. Algorithms developed to predict the effect of missense changes on protein structure and function are either unavailable or do not agree on the potential impact of this missense change (SIFT: "Deleterious"; PolyPhen-2: "Probably Damaging"; Align-GVGD: "Class C0"). In summary, the available evidence is currently insufficient to determine the role of this variant in disease. Therefore, it has been classified as a Variant of Uncertain Significance.